The following is an entry in ClinVar:

NM_000360.4(TH):c.645C>T (p.His215=)

Gene: TH (tyrosine hydroxylase; minus strand). Cytogenetic location: 11p15.5.
Variant type: single nucleotide variant.
Coding change: c.645C>T on transcript NM_000360.4 (MANE Select); coding-DNA position 645, C replaced by T.
Protein change: p.His215=; no amino-acid change (histidine 215 retained).
Molecular consequence: synonymous variant.
Genome position (GRCh38, 1-based): chr11:2,167,485, G>A on the plus strand (C>T on the coding strand, the complement: TH is on the minus strand). VCF-style: chr11-2167485-G-A. GRCh37 (hg19) VCF-style: chr11-2188715-G-A.
Other names: c.738C>T, p.His246= (NM_199292.3); c.726C>T, p.His242= (NM_199293.3).
Identifiers: ClinVar variation 284674 (VCV000284674.11), dbSNP rs768037080, ClinGen allele CA5818547.

ClinVar aggregate classification (germline): Conflicting classifications of pathogenicity. Review status: criteria provided, conflicting classifications (1 of 4 stars). 5 submissions from 5 submitters: Uncertain significance (2); Likely benign (3). Last evaluated 2024-04-27.

Conditions:
Inborn genetic diseases. Identifiers: MedGen C0950123, MeSH D030342.
TH-deficient dopa-responsive dystonia. Also called: DYT-TH; Segawa syndrome, autosomal recessive; Tyrosine Hydroxylase-Deficient Dopa-Responsive Dystonia. Identifiers: Orphanet 101150, MedGen C2673535, MONDO:0011551, OMIM 605407.

Allele frequency attached by ClinVar (database versions not stated): ExAC below 0.00001; gnomAD 0.00007 and 0.00006; TOPMed 0.00009.
gnomAD v4.1: 69 of 1,558,432 alleles (0.0044%); highest among the groups gnomAD compares: Middle Eastern, 0.42%; 2 homozygotes.

Submissions (5):

Ambry Genetics
Classification: Likely benign for Inborn genetic diseases. Last evaluated: 2024-04-27. Review status: criteria provided, single submitter. Criteria: Ambry Variant Classification Scheme 2023. Collection method: clinical testing. Allele origin: germline.

Blueprint Genetics
Classification: Likely benign. Last evaluated: 2024-03-19. Review status: criteria provided, single submitter. Criteria: ACMG Guidelines, 2015. Collection method: clinical testing. Allele origin: germline.

Labcorp Genetics (formerly Invitae), Labcorp
Classification: Uncertain significance for TH-deficient dopa-responsive dystonia. Last evaluated: 2022-08-22. Review status: criteria provided, single submitter. Criteria: Invitae Variant Classification Sherloc (09022015). Collection method: clinical testing. Allele origin: germline.
Comment: This sequence change affects codon 246 of the TH mRNA. It is a 'silent' change, meaning that it does not change the encoded amino acid sequence of the TH protein. It affects a nucleotide within the consensus splice site. The frequency data for this variant in the population databases is considered unreliable, as metrics indicate poor data quality at this position in the gnomAD database. This variant has not been reported in the literature in individuals affected with TH-related conditions. ClinVar contains an entry for this variant (Variation ID: 284674). Algorithms developed to predict the effect of sequence changes on RNA splicing suggest that this variant is not likely to affect RNA splicing. In summary, the available evidence is currently insufficient to determine the role of this variant in disease. Therefore, it has been classified as a Variant of Uncertain Significance.

GeneDx
Classification: Likely benign. Last evaluated: 2020-09-04. Review status: criteria provided, single submitter. Criteria: GeneDx Variant Classification Process June 2021. Collection method: clinical testing. Allele origin: germline. Affected: yes.

Eurofins Ntd Llc (ga)
Classification: Uncertain significance. Last evaluated: 2015-11-16. Review status: criteria provided, single submitter. Criteria: EGL Classification Definitions 2015. Collection method: clinical testing. Allele origin: germline. Observed: 1 variant allele, 1 heterozygote.